The following is an entry in ClinVar:

ClinVar aggregate classification (germline): Uncertain significance (1 of 4 stars; one submission).

Conditions:
GALNS-related disorder. Also called: GALNS-related condition.

gnomAD v4.1: 37 of 1,439,572 alleles (0.0026%); highest among the groups gnomAD compares: Admixed American, 0.042%; no homozygotes.

Submission:

PreventionGenetics, part of Exact Sciences
Classification: Uncertain significance for GALNS-related condition. Last evaluated: 2026-04-12. Review status: criteria provided, single submitter. Criteria: ACMG Guidelines, 2015. Collection method: clinical testing. Allele origin: germline.
Comment: The GALNS c.37G>A variant is predicted to result in the amino acid substitution p.Gly13Arg. This variant is intronic in an alternative transcript NM_000512:c.121-302G>A. To our knowledge, this variant has not been reported in the literature. This variant is reported in 0.016% of alleles in individuals of Latino descent in gnomAD. At this time, the clinical significance of this variant is uncertain due to the absence of conclusive functional and genetic evidence.

NM_000512.5(GALNS):c.121-302G>A

Gene: GALNS (galactosamine (N-acetyl)-6-sulfatase; minus strand). Cytogenetic location: 16q24.3.
Variant type: single nucleotide variant.
Coding change: c.121-302G>A on transcript NM_000512.5 (MANE Select); 302 bases into the intron before coding-DNA position 121, G replaced by A.
Molecular consequence: intron variant. On other transcripts: missense variant (1).
Genome position (GRCh38, 1-based): chr16:88,843,131, C>T on the plus strand (G>A on the coding strand, the complement: GALNS is on the minus strand). VCF-style: chr16-88843131-C-T. GRCh37 (hg19) VCF-style: chr16-88909539-C-T.
Other names: c.37G>A, p.Gly13Arg (NM_001323544.2); c.-311-1160G>A (NM_001323543.2); short protein forms G13R.
Identifiers: ClinVar variation 4979354 (VCV004979354.1).